The following is an entry in ClinVar:

NM_001002295.2(GATA3):c.45C>A (p.His15Gln)

Gene: GATA3 (GATA binding protein 3; plus strand). Cytogenetic location: 10p14.
Variant type: single nucleotide variant.
Coding change: c.45C>A on transcript NM_001002295.2 (MANE Select); coding-DNA position 45, C replaced by A.
Protein change: p.His15Gln; replaces histidine 15 with glutamine.
Molecular consequence: missense variant.
Genome position (GRCh38, 1-based): chr10:8,055,700, C>A. VCF-style: chr10-8055700-C-A. GRCh37 (hg19) VCF-style: chr10-8097663-C-A.
Other names: c.45C>A, p.His15Gln (NM_002051.3); short protein forms H15Q.
Identifiers: ClinVar variation 2308904 (VCV002308904.7), dbSNP rs757149716, ClinGen allele CA202454729.

ClinVar aggregate classification (germline): Uncertain significance. Review status: criteria provided, multiple submitters, no conflicts (2 of 4 stars). 3 submissions from 3 submitters: Uncertain significance (3). Last evaluated 2025-03-06.

Conditions:
GATA3-related disorder. Also called: GATA3-related condition.
Inborn genetic diseases. Identifiers: MedGen C0950123, MeSH D030342.

gnomAD v4.1: 2 of 1,561,236 alleles (0.00013%); highest among the groups gnomAD compares: Non-Finnish European, 0.000087%; no homozygotes.

Submissions (3):

PreventionGenetics, part of Exact Sciences
Classification: Uncertain significance for GATA3-related condition. Last evaluated: 2025-03-06. Review status: criteria provided, single submitter. Criteria: ACMG Guidelines, 2015. Collection method: clinical testing. Allele origin: germline.
Comment: The GATA3 c.45C>A variant is predicted to result in the amino acid substitution p.His15Gln. To our knowledge, this variant has not been reported in the literature or in a large population database (gnomAD), indicating this variant is rare. At this time, the clinical significance of this variant is uncertain due to the absence of conclusive functional and genetic evidence.

Ambry Genetics
Classification: Uncertain significance for Inborn genetic diseases. Last evaluated: 2025-01-01. Review status: criteria provided, single submitter. Criteria: Ambry Variant Classification Scheme 2023. Collection method: clinical testing. Allele origin: germline.

Labcorp Genetics (formerly Invitae), Labcorp
Classification: Uncertain significance. Last evaluated: 2023-06-09. Review status: criteria provided, single submitter. Criteria: Invitae Variant Classification Sherloc (09022015). Collection method: clinical testing. Allele origin: germline.
Comment: This variant has not been reported in the literature in individuals affected with GATA3-related conditions. This sequence change replaces histidine, which is basic and polar, with glutamine, which is neutral and polar, at codon 15 of the GATA3 protein (p.His15Gln). This variant is not present in population databases (gnomAD no frequency). ClinVar contains an entry for this variant (Variation ID: 2308904). An algorithm developed to predict the effect of missense changes on protein structure and function (PolyPhen-2) suggests that this variant is likely to be disruptive. In summary, the available evidence is currently insufficient to determine the role of this variant in disease. Therefore, it has been classified as a Variant of Uncertain Significance.